The following is an entry in ClinVar:

ClinVar aggregate classification (germline): Conflicting classifications of pathogenicity. Review status: criteria provided, conflicting classifications (1 of 4 stars). 8 submissions from 8 submitters: Uncertain significance (1); Likely benign (5). 2 of the submissions do not count toward it. Last evaluated 2024-12-05.

Conditions:
Hereditary breast ovarian cancer syndrome. Also called: Hereditary breast and ovarian cancer syndrome; Hereditary breast and ovarian cancer; Hereditary breast and ovarian cancer syndrome (HBOC); Breast and ovarian cancer; Hereditary breast and/or ovarian cancer syndrome; BRCA1- and BRCA2-Associated Hereditary Breast and Ovarian Cancer. Identifiers: Orphanet 145, MedGen C0677776, MeSH D061325, MONDO:0003582. Disease mechanism: loss of function.
Hereditary cancer-predisposing syndrome. Also called: Neoplastic Syndromes, Hereditary; Tumor predisposition; Hereditary neoplastic syndrome; Hereditary Cancer Syndrome. Identifiers: Orphanet 140162, MedGen C0027672, MeSH D009386, MONDO:0015356.
Breast-ovarian cancer, familial, susceptibility to, 2 (BROVCA2). Also called: BRCA2 Hereditary Breast and Ovarian Cancer. Identifiers: Orphanet 145, MedGen C2675520, MONDO:0012933, OMIM 612555. Disease mechanism: loss of function.

Submissions (8):

Labcorp Genetics (formerly Invitae), Labcorp
Classification: Likely benign for Hereditary breast ovarian cancer syndrome. Last evaluated: 2024-12-05. Review status: criteria provided, single submitter. Criteria: Invitae Variant Classification Sherloc (09022015). Collection method: clinical testing. Allele origin: germline.

University of Washington Department of Laboratory Medicine, University of Washington
Classification: Likely benign for Hereditary cancer-predisposing syndrome. Last evaluated: 2023-03-23. Review status: criteria provided, single submitter. Criteria: Dines et al. (Genet Med. 2020). Collection method: curation. Allele origin: germline.
Comment: Missense variant in a coldspot region where missense variants are very unlikely to be pathogenic (PMID:31911673).

BRCA2 exon 11 coldspot. Reclassification based on statistical prior probability.

Women's Health and Genetics/Laboratory Corporation of America, LabCorp
Classification: Uncertain significance. Last evaluated: 2022-11-14. Review status: criteria provided, single submitter. Criteria: LabCorp Variant Classification Summary - May 2015. Collection method: clinical testing. Allele origin: germline.
Comment: Variant summary: BRCA2 c.5508T>G (p.Asn1836Lys) results in a non-conservative amino acid change in the encoded protein sequence. Three of four in-silico tools predict a benign effect of the variant on protein function. The variant was absent in 250144 control chromosomes. The available data on variant occurrences in the general population are insufficient to allow any conclusion about variant significance. c.5508T>G has been reported in the literature in individuals affected with Hereditary Breast And Ovarian Cancer Syndrome and those being tested for hereditary cancer panels, without strong evidence for causality (Lincoln_2015, Patruno_2021, Secondino_2022). These reports do not provide unequivocal conclusions about association of the variant with Hereditary Breast And Ovarian Cancer Syndrome. To our knowledge, no experimental evidence demonstrating an impact on protein function has been reported. Four clinical diagnostic laboratories have submitted clinical-significance assessments for this variant to ClinVar after 2014 without evidence for independent evaluation. All laboratories classified the variant as benign/likely benign. Based on the evidence outlined above, the variant was classified as uncertain significance.

GeneDx
Classification: Likely benign. Last evaluated: 2019-03-11. Review status: criteria provided, single submitter. Criteria: GeneDx Variant Classification Process June 2021. Collection method: clinical testing. Allele origin: germline. Affected: yes.
Comment: This variant is associated with the following publications: (PMID: 26207792)

Color Diagnostics, LLC DBA Color Health
Classification: Likely benign for Hereditary cancer-predisposing syndrome. Last evaluated: 2017-07-31. Review status: criteria provided, single submitter. Criteria: ACMG Guidelines, 2015. Collection method: clinical testing. Allele origin: germline.

Ambry Genetics
Classification: Likely benign for Hereditary cancer-predisposing syndrome. Last evaluated: 2017-05-05. Review status: criteria provided, single submitter. Criteria: Ambry Variant Classification Scheme 2023. Collection method: clinical testing. Allele origin: germline.

Sharing Clinical Reports Project (SCRP)
Classification: Likely benign for Breast-ovarian cancer, familial 2. Last evaluated: 2012-05-01. Review status: no assertion criteria provided. Collection method: clinical testing. Allele origin: germline. Not counted in ClinVar's aggregate classification.

Breast Cancer Information Core (BIC) (BRCA2)
Classification: Uncertain significance for Breast-ovarian cancer, familial 2. Last evaluated: 2004-02-20. Review status: no assertion criteria provided. Collection method: clinical testing. Allele origin: germline. Affected: yes. Observed: 1 variant allele. Not counted in ClinVar's aggregate classification.

Literature cited by the submitters: PubMed 26207792 (cited by Women's Health and Genetics/Laboratory Corporation of America, LabCorp); PubMed 34572941 (cited by Women's Health and Genetics/Laboratory Corporation of America, LabCorp); PubMed 35456488 (cited by Women's Health and Genetics/Laboratory Corporation of America, LabCorp).

NM_000059.4(BRCA2):c.5508T>G (p.Asn1836Lys)

Gene: BRCA2 (BRCA2 DNA repair associated; plus strand). Cytogenetic location: 13q13.1.
Variant type: single nucleotide variant.
Coding change: c.5508T>G on transcript NM_000059.4 (MANE Select); coding-DNA position 5508, T replaced by G.
Protein change: p.Asn1836Lys; replaces asparagine 1836 with lysine.
Molecular consequence: missense variant.
Genome position (GRCh38, 1-based): chr13:32,339,863, T>G. VCF-style: chr13-32339863-T-G. GRCh37 (hg19) VCF-style: chr13-32914000-T-G.
Other names: 5736T>G; short protein forms N1836K.
Identifiers: ClinVar variation 51876 (VCV000051876.23), dbSNP rs80358774, ClinGen allele CA022483.